The following is an entry in ClinVar:

ClinVar aggregate classification (germline): Uncertain significance (1 of 4 stars; one submission).

Allele frequency attached by ClinVar (database versions not stated): ESP Exome Variant Server 0.00008; gnomAD exomes 0.00013 and 0.00014; TOPMed 0.00013; ExAC 0.00015; gnomAD 0.00015; 1000 Genomes Project 0.00020; 1000 Genomes Project 30x 0.00031.
gnomAD v4.1: 218 of 1,613,732 alleles (0.014%); highest among the groups gnomAD compares: Non-Finnish European, 0.018%; no homozygotes.

Submission:

Labcorp Genetics (formerly Invitae), Labcorp
Classification: Uncertain significance. Last evaluated: 2022-10-05. Review status: criteria provided, single submitter. Criteria: Invitae Variant Classification Sherloc (09022015). Collection method: clinical testing. Allele origin: germline.
Comment: This sequence change replaces leucine, which is neutral and non-polar, with proline, which is neutral and non-polar, at codon 12 of the GALM protein (p.Leu12Pro). This variant is present in population databases (rs201350001, gnomAD 0.03%). This variant has not been reported in the literature in individuals affected with GALM-related conditions. ClinVar contains an entry for this variant (Variation ID: 1423840). Algorithms developed to predict the effect of missense changes on protein structure and function are either unavailable or do not agree on the potential impact of this missense change (SIFT: "Deleterious"; PolyPhen-2: "Probably Damaging"; Align-GVGD: "Class C0"). Studies have shown that this missense change alters GALM gene expression (PMID: 30910422). In summary, the available evidence is currently insufficient to determine the role of this variant in disease. Therefore, it has been classified as a Variant of Uncertain Significance.

Literature cited by the submitters: PubMed 30910422.

NM_138801.3(GALM):c.35T>C (p.Leu12Pro)

Gene: GALM (galactose mutarotase; plus strand). Cytogenetic location: 2p22.1.
Variant type: single nucleotide variant.
Coding change: c.35T>C on transcript NM_138801.3 (MANE Select); coding-DNA position 35, T replaced by C.
Protein change: p.Leu12Pro; replaces leucine 12 with proline.
Molecular consequence: missense variant.
Genome position (GRCh38, 1-based): chr2:38,666,196, T>C. VCF-style: chr2-38666196-T-C. GRCh37 (hg19) VCF-style: chr2-38893338-T-C.
Other names: short protein forms L12P.
Identifiers: ClinVar variation 1423840 (VCV001423840.3), dbSNP rs201350001, ClinGen allele CA1621378.
Genomic context (GRCh38, chr2:38,666,196, plus strand): 5'-GTGGCTGCACACGCCAAACTTTCCCTATGGCTTCGGTGACCAGGGCCGTGTTTGGAGAGC[T>C]GCCCTCGGGAGGAGGGACAGTGGAGAAGTTCCAGCTGCAGTCAGACCTCTTGAGAGTGGA-3'
Protein context (NP_620156.1, residues 2-22): ASVTRAVFGE[Leu12Pro]PSGGGTVEKF